The following is an entry in ClinVar:

NM_001013631.3(HNRNPCL1):c.441T>C (p.Arg147=)

Gene: HNRNPCL1 (heterogeneous nuclear ribonucleoprotein C like 1; minus strand). Cytogenetic location: 1p36.21.
Variant type: single nucleotide variant.
Coding change: c.441T>C on transcript NM_001013631.3 (MANE Select); coding-DNA position 441, T replaced by C.
Protein change: p.Arg147=; no amino-acid change (arginine 147 retained).
Molecular consequence: synonymous variant.
Genome position (GRCh38, 1-based): chr1:12,847,849, A>G on the plus strand (T>C on the coding strand, the complement: HNRNPCL1 is on the minus strand). VCF-style: chr1-12847849-A-G. GRCh37 (hg19) VCF-style: chr1-12907702-A-G.
Identifiers: ClinVar variation 2638266 (VCV002638266.24), dbSNP rs2359483, ClinGen allele CA18108529.
Genomic context (GRCh38, chr1:12,847,849, plus strand): 5'-CCGCTTTCCACTCTTAGAATTGAAGCCACTTTTGCCCCTTCGTGAGGTGTTTCCTGATAG[A>G]CGTTGACGTTTCGAGGGCACTACAGCCAGAGCAATGGGAGGAGGAGGAGGTACACGTGCT-3'
Protein context (NP_001013653.1, residues 137-157): ALAVVPSKRQ[Arg147=]LSGNTSRRGK

ClinVar aggregate classification (germline): Likely benign (1 of 4 stars; one submission).

Allele frequency attached by ClinVar (database versions not stated): gnomAD 0.00003; 1000 Genomes Project 30x 0.00016.
gnomAD v4.1: 63 of 1,606,252 alleles (0.0039%); highest among the groups gnomAD compares: South Asian, 0.051%; 7 homozygotes.

Submission:

CeGaT Center for Human Genetics Tuebingen
Classification: Likely benign. Last evaluated: 2024-01-01. Review status: criteria provided, single submitter. Criteria: CeGaT Center For Human Genetics Tuebingen Variant Classification Criteria Version 2. Collection method: clinical testing. Allele origin: germline. Affected: yes. Observed: 3 variant alleles.
Comment: HNRNPCL1: BP4, BP7